The following is an entry in ClinVar:

ClinVar aggregate classification (germline): Conflicting classifications of pathogenicity. Review status: criteria provided, conflicting classifications (1 of 4 stars). 5 submissions from 5 submitters: Likely pathogenic (2); Uncertain significance (3). Last evaluated 2024-03-07.

Conditions:
Eichsfeld type congenital muscular dystrophy (CMYO3). Also called: Rigid spine muscular dystrophy 1; MYOPATHY, SEPN1-RELATED; SELENON-related myopathy; Congenital myopathy 3 with rigid spine. Identifiers: MedGen C0410180, MONDO:0100100, OMIM 602771.

Allele frequency attached by ClinVar (database versions not stated): ExAC 0.00001.
gnomAD v4.1: 5 of 1,612,244 alleles (0.00031%); highest among the groups gnomAD compares: Middle Eastern, 0.033%; no homozygotes.

Submissions (5):

Women's Health and Genetics/Laboratory Corporation of America, LabCorp
Classification: Uncertain significance. Last evaluated: 2024-03-07. Review status: criteria provided, single submitter. Criteria: LabCorp Variant Classification Summary - May 2015. Collection method: clinical testing. Allele origin: germline.
Comment: Variant summary: SELENON c.1379C>T (p.Ser460Phe) results in a non-conservative amino acid change in the encoded protein sequence. Five of five in-silico tools predict a damaging effect of the variant on protein function. The variant allele was found at a frequency of 8.1e-06 in 245756 control chromosomes. c.1379C>T has been reported in the literature as a presumed compound heterozygous and a homozygous genotype in at-least two individuals affected with features of SELENON related Congenital myopathy 3 with rigid spine (example, Wu_2018, Ziyaee_2019 cited in Mohmadian_2020 and Zhang_2021). It has also been reorted in a complex adult myopathy cohort (primary evidence unavailable at ascertainment, Bugiardini_2019). These data indicate that the variant may be associated with disease. To our knowledge, no experimental evidence demonstrating an impact on protein function has been reported. The following publications have been ascertained in the context of this evaluation (PMID: 31561939, 32864802, 29382405, 34867752, 30642275). ClinVar contains an entry for this variant (Variation ID: 641007). Based on the evidence outlined above, the variant was classified as VUS-possibly pathogenic.

Broad Center for Mendelian Genomics, Broad Institute of MIT and Harvard
Classification: Likely pathogenic. Last evaluated: 2023-01-24. Review status: criteria provided, single submitter. Criteria: ACMG Guidelines, 2015. Collection method: curation. Allele origin: germline. Inheritance: Autosomal recessive inheritance.
Comment: The p.Ser460Phe variant in SELENON has been reported in 4 individuals with SELENON-RM (PMID: 30642275, 29382405, Munell_2018) and has been identified in 0.002% (2/111376) of European (non-Finnish) chromosomes by the Genome Aggregation Database (gnomAD; dbSNP ID: rs767530943). Although this variant has been seen in the general population in a heterozygous state, its frequency is low enough to be consistent with a recessive carrier frequency. This variant has also been reported in ClinVar (Variation ID#: 641007) and has been interpreted as a variant of uncertain significance by Invitae. Of the 3 affected individuals, 2 of those were homozygotes and 1 was a compound heterozygote that carried a reported pathogenic variant with unknown phase, which increases the likelihood that the p.Ser460Phe variant is pathogenic (VariationID: 4496; PMID: 30642275, 29382405, Munell_2018). Computational prediction tools and conservation analyses suggest that this variant may impact the protein, though this information is not predictive enough to determine pathogenicity. In summary, although additional studies are required to fully establish its clinical significance, this variant is likely pathogenic for autosomal recessive SELENON-RM. ACMG/AMP Criteria applied: PM3_strong, PP3, PM2_supporting (Richards 2015).

Clinical Genetics Laboratory, Skane University Hospital Lund
Classification: Likely pathogenic. Last evaluated: 2022-05-27. Review status: criteria provided, single submitter. Criteria: ACMG Guidelines, 2015. Collection method: clinical testing. Allele origin: germline. Affected: yes.

Labcorp Genetics (formerly Invitae), Labcorp
Classification: Uncertain significance for Eichsfeld type congenital muscular dystrophy. Last evaluated: 2021-06-22. Review status: criteria provided, single submitter. Criteria: Invitae Variant Classification Sherloc (09022015). Collection method: clinical testing. Allele origin: germline.
Comment: In summary, the available evidence is currently insufficient to determine the role of this variant in disease. Therefore, it has been classified as a Variant of Uncertain Significance. Algorithms developed to predict the effect of missense changes on protein structure and function are either unavailable or do not agree on the potential impact of this missense change (SIFT: "Tolerated"; PolyPhen-2: "Possibly Damaging"; Align-GVGD: "Class C0"). This variant has been observed in individual(s) with SELENON-related disease (PMID: 30642275, 29382405). ClinVar contains an entry for this variant (Variation ID: 641007). This variant is present in population databases (rs767530943, ExAC 0.002%). This sequence change replaces serine with phenylalanine at codon 460 of the SELENON protein (p.Ser460Phe). The serine residue is moderately conserved and there is a large physicochemical difference between serine and phenylalanine.

Revvity Omics, Revvity
Classification: Uncertain significance for Eichsfeld type congenital muscular dystrophy. Last evaluated: 2019-02-26. Review status: criteria provided, single submitter. Criteria: ACMG Guidelines, 2015. Collection method: clinical testing. Allele origin: germline.

Literature cited by the submitters: PubMed 29382405 (cited by Women's Health and Genetics/Laboratory Corporation of America, LabCorp and Labcorp Genetics (formerly Invitae), Labcorp); PubMed 31561939 (cited by Women's Health and Genetics/Laboratory Corporation of America, LabCorp); PubMed 32864802 (cited by Women's Health and Genetics/Laboratory Corporation of America, LabCorp); PubMed 34867752 (cited by Women's Health and Genetics/Laboratory Corporation of America, LabCorp); PubMed 30642275 (cited by Women's Health and Genetics/Laboratory Corporation of America, LabCorp and Labcorp Genetics (formerly Invitae), Labcorp).

NM_206926.2(SELENON):c.1277C>T (p.Ser426Phe)

Gene: SELENON (selenoprotein N; plus strand). Cytogenetic location: 1p36.11.
Variant type: single nucleotide variant.
Coding change: c.1277C>T on transcript NM_206926.2 (MANE Select); coding-DNA position 1277, C replaced by T.
Protein change: p.Ser426Phe; replaces serine 426 with phenylalanine.
Molecular consequence: missense variant.
Genome position (GRCh38, 1-based): chr1:25,812,784, C>T. VCF-style: chr1-25812784-C-T. GRCh37 (hg19) VCF-style: chr1-26139275-C-T.
Other names: NM_020451.3(SELENON):c.1379C>T; p.Ser460Phe; c.1379C>T, p.Ser460Phe (NM_020451.3); short protein forms S426F, S460F.
Identifiers: ClinVar variation 641007 (VCV000641007.11), dbSNP rs767530943, ClinGen allele CA696842.